The following is an entry in ClinVar:

ClinVar aggregate classification (germline): Uncertain significance (1 of 4 stars; one submission).

gnomAD v4.1: 10 of 152,318 alleles (0.0066%); highest among the groups gnomAD compares: South Asian, 0.021%; no homozygotes.

Submission:

Institute for Human Genetics, University Hospital Essen
Classification: Uncertain significance. Last evaluated: 2025-11-27. Review status: criteria provided, single submitter. Criteria: Submitter's publication. Collection method: clinical testing. Allele origin: inherited. Inheritance: Autosomal unknown. Affected: yes. Observed: 3 variant alleles, 1 compound heterozygote, 2 homozygotes.
Comment: PS4_mod, PM2_supp, PM1 (criteria rationale detailed in Leitão et al. Nature Genetics 2026)

NR_199791.1(RNU2-2):n.25G>A

Genes: RNU2-2 (RNA, U2 small nuclear 2; minus strand), WDR74 (WD repeat domain 74; minus strand). Cytogenetic location: 11q12.3.
Variant type: single nucleotide variant.
Molecular consequence: non-coding transcript variant (on NR_199791.1). On other transcripts: 5 prime UTR variant (1).
Genome position: GRCh38 VCF-style: chr11-62841785-C-T. GRCh37 (hg19) VCF-style: chr11-62609257-C-T.
Other names: c.-514G>A (NM_001369451.1).
Identifiers: ClinVar variation 4540466 (VCV004540466.1).